The following is an entry in ClinVar:

NM_017852.5(NLRP2):c.2538-4G>C

Gene: NLRP2 (NLR family pyrin domain containing 2; plus strand). Cytogenetic location: 19q13.42.
Variant type: single nucleotide variant.
Coding change: c.2538-4G>C on transcript NM_017852.5 (MANE Select); 4 bases into the intron before coding-DNA position 2538, G replaced by C.
Molecular consequence: intron variant.
Genome position (GRCh38, 1-based): chr19:54,990,498, G>C. VCF-style: chr19-54990498-G-C. GRCh37 (hg19) VCF-style: chr19-55501866-G-C.
Other names: c.2538-4G>C (NM_001174081.3, NM_001174081.2); c.2529-4G>C (NM_001348003.2); c.2472-4G>C (NM_001174082.3); c.2469-4G>C (NM_001174083.2).
Identifiers: ClinVar variation 1268222 (VCV001268222.5), dbSNP rs12973968, ClinGen allele CA310112002.
Genomic context (GRCh38, chr19:54,990,498, plus strand): 5'-GAGCTAGCCGGGAAGGTTGAAGTTGGACCTGTCAACCGTGTTGCCATTTGTGATTCTTTT[G>C]TAGGTTGGAAAACTGTCACCTTACAGAAGCCAATTGCAAGGACCTTGCTGCTGTGTTGGT-3'

ClinVar aggregate classification (germline): Benign. Review status: criteria provided, multiple submitters, no conflicts (2 of 4 stars). 3 submissions from 3 submitters: Benign (2). 1 of the submissions does not count toward it. Last evaluated 2018-08-24.

Conditions:
NLRP2-related disorder. Also called: NLRP2-related condition.

Allele frequency attached by ClinVar (database versions not stated): 1000 Genomes Project 30x 0.08136; 1000 Genomes Project 0.08427; TOPMed 0.12792; gnomAD 0.14173 and 0.14540; ESP Exome Variant Server 0.14893.
gnomAD v4.1: 295,835 of 1,613,050 alleles (18%); highest among the groups gnomAD compares: Non-Finnish European, 21%; 30,803 homozygotes.

Submissions (3):

GeneDx
Classification: Benign. Last evaluated: 2018-08-24. Review status: criteria provided, single submitter. Criteria: GeneDx Variant Classification Process June 2021. Collection method: clinical testing. Allele origin: germline. Affected: yes.

Breakthrough Genomics
Classification: Benign. Review status: criteria provided, single submitter. Criteria: ACMG Guidelines, 2015. Collection method: not provided. Allele origin: germline. Inheritance: Unknown mechanism. Affected: yes.

PreventionGenetics, part of Exact Sciences
Classification: Benign for NLRP2-related condition. Last evaluated: 2024-03-06. Review status: no assertion criteria provided. Collection method: clinical testing. Allele origin: germline. Not counted in ClinVar's aggregate classification.
Comment: This variant is classified as benign based on ACMG/AMP sequence variant interpretation guidelines (Richards et al. 2015 PMID: 25741868, with internal and published modifications).